The following is an entry in ClinVar:

NM_145064.3(STAC3):c.-1G>A

Gene: STAC3 (SH3 and cysteine rich domain 3; minus strand). Cytogenetic location: 12q13.3.
Variant type: single nucleotide variant.
Coding change: c.-1G>A on transcript NM_145064.3 (MANE Select); 1 bases upstream of the start codon, G replaced by A.
Molecular consequence: 5 prime UTR variant. On other transcripts: intron variant (2).
Genome position (GRCh38, 1-based): chr12:57,249,637, C>T on the plus strand (G>A on the coding strand, the complement: STAC3 is on the minus strand). VCF-style: chr12-57249637-C-T. GRCh37 (hg19) VCF-style: chr12-57643420-C-T.
Other names: c.-127+1356G>A (NM_001286257.2); c.-51-329G>A (NM_001286256.2).
Identifiers: ClinVar variation 262569 (VCV000262569.8), dbSNP rs139002404, ClinGen allele CA6647286.

ClinVar aggregate classification (germline): Benign/Likely benign. Review status: criteria provided, multiple submitters, no conflicts (2 of 4 stars). 5 submissions from 5 submitters: Benign (1); Likely benign (3). 1 of the submissions does not count toward it. Last evaluated 2026-08-01.

Conditions:
STAC3-related disorder. Also called: STAC3-related condition.

Allele frequency attached by ClinVar (database versions not stated): ESP Exome Variant Server 0.00085; 1000 Genomes Project 0.00100; gnomAD 0.00100 and 0.00112; TOPMed 0.00105; 1000 Genomes Project 30x 0.00109; ExAC 0.00172.

Submissions (5):

CeGaT Center for Human Genetics Tuebingen
Classification: Likely benign. Last evaluated: 2026-08-01. Review status: criteria provided, single submitter. Criteria: CeGaT Center For Human Genetics Tuebingen Variant Classification Criteria Version 2. Collection method: clinical testing. Allele origin: germline. Affected: yes. Observed: 1 variant allele.
Comment: STAC3: BS2

Women's Health and Genetics/Laboratory Corporation of America, LabCorp
Classification: Benign. Last evaluated: 2025-07-15. Review status: criteria provided, single submitter. Criteria: LabCorp Variant Classification Summary - May 2015. Collection method: clinical testing. Allele origin: germline.
Comment: Variant summary: STAC3 c.-1G>A is located in the untranslated mRNA region upstream of the initiation codon. The variant allele was found at a frequency of 0.0018 in 251212 control chromosomes in the gnomAD database, including 2 homozygotes. The observed variant frequency within South Asian and Ashkenazi Jewish (ASJ) control individuals in the gnomAD database is approximately 4-8 fold of the estimated maximal expected allele frequency for a pathogenic variant in STAC3 causing Bailey-Bloch congenital myopathy phenotype (0.0011). To our knowledge, no occurrence of c.-1G>A in individuals affected with Bailey-Bloch congenital myopathy and no experimental evidence demonstrating its impact on protein function have been reported. ClinVar contains an entry for this variant (Variation ID: 262569). Based on the evidence outlined above, the variant was classified as benign.

Blueprint Genetics
Classification: Likely benign. Last evaluated: 2024-11-26. Review status: criteria provided, single submitter. Criteria: ACMG Guidelines, 2015. Collection method: clinical testing. Allele origin: germline.

Breakthrough Genomics
Classification: Likely benign. Review status: criteria provided, single submitter. Criteria: ACMG Guidelines, 2015. Collection method: not provided. Allele origin: germline. Inheritance: Autosomal recessive inheritance. Affected: yes.

PreventionGenetics, part of Exact Sciences
Classification: Benign for STAC3-related condition. Last evaluated: 2024-03-22. Review status: no assertion criteria provided. Collection method: clinical testing. Allele origin: germline. Not counted in ClinVar's aggregate classification.
Comment: This variant is classified as benign based on ACMG/AMP sequence variant interpretation guidelines (Richards et al. 2015 PMID: 25741868, with internal and published modifications).